The following is an entry in ClinVar:

ClinVar aggregate classification (germline): Uncertain significance (1 of 4 stars; one submission).

Submission:

GeneDx
Classification: Uncertain significance. Last evaluated: 2022-09-11. Review status: criteria provided, single submitter. Criteria: GeneDx Variant Classification Process June 2021. Collection method: clinical testing. Allele origin: germline. Affected: yes.
Comment: Not observed at significant frequency in large population cohorts (gnomAD); In silico analysis supports that this missense variant does not alter protein structure/function; Has not been previously published as pathogenic or benign to our knowledge

NM_021098.3(CACNA1H):c.4525A>C (p.Ile1509Leu)

Gene: CACNA1H (calcium voltage-gated channel subunit alpha1 H; plus strand). Cytogenetic location: 16p13.3.
Variant type: single nucleotide variant.
Coding change: c.4525A>C on transcript NM_021098.3 (MANE Select); coding-DNA position 4525, A replaced by C.
Protein change: p.Ile1509Leu; replaces isoleucine 1509 with leucine.
Molecular consequence: missense variant.
Genome position (GRCh38, 1-based): chr16:1,211,764, A>C. VCF-style: chr16-1211764-A-C. GRCh37 (hg19) VCF-style: chr16-1261764-A-C.
Other names: c.4525A>C, p.Ile1509Leu (NM_001005407.2); short protein forms I1509L.
Identifiers: ClinVar variation 2443420 (VCV002443420.1), dbSNP rs2548706397, ClinGen allele CA394180316.
Genomic context (GRCh38, chr16:1,211,764, plus strand): 5'-TCTGGCCCTCAGGCCCTGATGTCGCTGTTCGTGCTGTCATCCAAGGATGGATGGGTGAAC[A>C]TCATGTACGACGGGCTGGATGCCGTGGGTGTCGACCAGCAGGTGCGCACAGGCGGGTCGA-3'
Protein context (NP_066921.2, residues 1499-1519): VLSSKDGWVN[Ile1509Leu]MYDGLDAVGV